The following is an entry in ClinVar:

ClinVar aggregate classification (germline): Benign/Likely benign. Review status: criteria provided, multiple submitters, no conflicts (2 of 4 stars). 3 submissions from 3 submitters: Benign (2); Likely benign (1). Last evaluated 2026-02-03.

Submissions (3):

Labcorp Genetics (formerly Invitae), Labcorp
Classification: Benign. Last evaluated: 2026-02-03. Review status: criteria provided, single submitter. Criteria: Invitae Variant Classification Sherloc (09022015). Collection method: clinical testing. Allele origin: germline.

Blueprint Genetics
Classification: Likely benign. Last evaluated: 2024-11-27. Review status: criteria provided, single submitter. Criteria: ACMG Guidelines, 2015. Collection method: clinical testing. Allele origin: germline.

GeneDx
Classification: Benign. Last evaluated: 2022-02-13. Review status: criteria provided, single submitter. Criteria: GeneDx Variant Classification Process June 2021. Collection method: clinical testing. Allele origin: germline. Affected: yes.
Comment: See Variant Classification Assertion Criteria.

NM_001379500.1(COL18A1):c.2978_2979insCGGCCCCCC (p.985GPP[5])

Genes: COL18A1 (collagen type XVIII alpha 1 chain; plus strand), SLC19A1 (solute carrier family 19 member 1; minus strand). Cytogenetic location: 21q22.3.
Variant type: Insertion.
Coding change: c.2978_2979insCGGCCCCCC on transcript NM_001379500.1 (MANE Select); coding-DNA positions 2978 to 2979, CGGCCCCCC inserted.
Protein change: p.985GPP[5].
Molecular consequence: inframe insertion.
Genome position: GRCh38 VCF-style: chr21-45505235-A-AGGCCCCCCC. GRCh37 (hg19) VCF-style: chr21-46925149-A-AGGCCCCCCC.
Other names: NM_130445.3:c.2969_2970insCGGCCCCCC; NM_130445.2:c.2961_2962insGGCCCCCCC; c.3509_3510insCGGCCCCCC, p.1162GPP[5] (NM_030582.4); c.4214_4215insCGGCCCCCC, p.1397GPP[5] (NM_130444.3).
Identifiers: ClinVar variation 769139 (VCV000769139.13), dbSNP rs762697655, ClinGen allele CA10067581.